The following is an entry in ClinVar:

NM_020822.3(KCNT1):c.110+154G>A

Gene: KCNT1 (potassium sodium-activated channel subfamily T member 1; plus strand). Cytogenetic location: 9q34.3.
Variant type: single nucleotide variant.
Coding change: c.110+154G>A on transcript NM_020822.3 (MANE Select); 154 bases into the intron after coding-DNA position 110, G replaced by A.
Molecular consequence: intron variant.
Genome position (GRCh38, 1-based): chr9:135,702,522, G>A. VCF-style: chr9-135702522-G-A. GRCh37 (hg19) VCF-style: chr9-138594368-G-A.
Other names: c.110+154G>A (NM_001272003.2).
Identifiers: ClinVar variation 677658 (VCV000677658.1), dbSNP rs188210338, ClinGen allele CA201461461.

ClinVar aggregate classification (germline): Likely benign (1 of 4 stars; one submission).

Allele frequency attached by ClinVar (database versions not stated): 1000 Genomes Project 30x 0.00375; 1000 Genomes Project 0.00399; gnomAD 0.00429 and 0.00463; TOPMed 0.00497.
gnomAD v4.1: 651 of 152,280 alleles (0.43%); highest among the groups gnomAD compares: African/African-American, 1.5%; 5 homozygotes.

Submission:

GeneDx
Classification: Likely benign. Last evaluated: 2018-06-19. Review status: criteria provided, single submitter. Criteria: GeneDx Variant Classification (06012015). Collection method: clinical testing. Allele origin: germline. Affected: yes.
Comment: This variant is considered likely benign or benign based on one or more of the following criteria: it is a conservative change, it occurs at a poorly conserved position in the protein, it is predicted to be benign by multiple in silico algorithms, and/or has population frequency not consistent with disease.